The following is an entry in ClinVar:

ClinVar aggregate classification (germline): Benign/Likely benign. Review status: criteria provided, multiple submitters, no conflicts (2 of 4 stars). 6 submissions from 5 submitters: Benign (4); Likely benign (1). 1 of the submissions does not count toward it. Last evaluated 2026-02-04.

Conditions:
Glycogen storage disease IV, classic hepatic. Also called: GSD IV, CLASSIC HEPATIC. Identifiers: MedGen C1856301.
Glycogen storage disease, type IV (GSD4). Also called: Glycogen storage disease due to glycogen branching enzyme deficiency; GBE1 DEFICIENCY; GLYCOGEN BRANCHING ENZYME DEFICIENCY; GLYCOGENOSIS IV; GSD IV; AMYLOPECTINOSIS. Identifiers: Orphanet 367, MedGen C0017923, MONDO:0009292, OMIM 232500.
Adult polyglucosan body disease (APBN). Also called: GBE1-Adult Polyglucosan Body Disease; POLYGLUCOSAN BODY DISEASE, ADULT FORM. Identifiers: Orphanet 206583, MedGen C1849722, MONDO:0009897, OMIM 263570.

Allele frequency attached by ClinVar (database versions not stated): gnomAD 0.00033; TOPMed 0.00072; gnomAD exomes 0.00097; ExAC 0.00100; 1000 Genomes Project 30x 0.00250; 1000 Genomes Project 0.00260.
gnomAD v4.1: 689 of 1,612,968 alleles (0.043%); highest among the groups gnomAD compares: East Asian, 1.4%; 6 homozygotes.

Submissions (6):

Labcorp Genetics (formerly Invitae), Labcorp
Classification: Benign for Glycogen storage disease, type IV; Glycogen storage disease IV, classic hepatic. Last evaluated: 2026-02-04. Review status: criteria provided, single submitter. Criteria: Invitae Variant Classification Sherloc (09022015). Collection method: clinical testing. Allele origin: germline.

Blueprint Genetics
Classification: Likely benign. Last evaluated: 2024-11-25. Review status: criteria provided, single submitter. Criteria: ACMG Guidelines, 2015. Collection method: clinical testing. Allele origin: germline.

CeGaT Center for Human Genetics Tuebingen
Classification: Benign. Last evaluated: 2023-10-01. Review status: criteria provided, single submitter. Criteria: CeGaT Center For Human Genetics Tuebingen Variant Classification Criteria Version 2. Collection method: clinical testing. Allele origin: germline. Affected: yes. Observed: 1 variant allele.
Comment: GBE1: BP4, BS1, BS2

Illumina Laboratory Services, Illumina
Classification: Benign for Glycogen storage disease, type IV. Last evaluated: 2018-01-13. Review status: criteria provided, single submitter. Criteria: ICSL Variant Classification Criteria 13 December 2019. Collection method: clinical testing. Allele origin: germline.
Comment: This variant was observed in the ICSL laboratory as part of a predisposition screen in an ostensibly healthy population. It had not been previously curated by ICSL or reported in the Human Gene Mutation Database (HGMD: prior to June 1st, 2018), and was therefore a candidate for classification through an automated scoring system. Utilizing variant allele frequency, disease prevalence and penetrance estimates, and inheritance mode, an automated score was calculated to assess if this variant is too frequent to cause the disease. Based on the score and internal cut-off values, a variant classified as benign is not then subjected to further curation. The score for this variant resulted in a classification of benign for this disease.

Illumina Laboratory Services, Illumina
Classification: Benign for Adult polyglucosan body disease. Last evaluated: 2018-01-13. Review status: criteria provided, single submitter. Criteria: ICSL Variant Classification Criteria 13 December 2019. Collection method: clinical testing. Allele origin: germline.
Comment: the same text as in the submission from Illumina Laboratory Services, Illumina above.

Natera, Inc.
Classification: Benign for Glycogen storage disease type IV. Last evaluated: 2019-10-28. Review status: no assertion criteria provided. Collection method: clinical testing. Allele origin: germline. Not counted in ClinVar's aggregate classification.

NM_000158.4(GBE1):c.859G>C (p.Val287Leu)

Gene: GBE1 (1,4-alpha-glucan branching enzyme 1; minus strand). Cytogenetic location: 3p12.2.
Variant type: single nucleotide variant.
Coding change: c.859G>C on transcript NM_000158.4 (MANE Select); coding-DNA position 859, G replaced by C.
Protein change: p.Val287Leu; replaces valine 287 with leucine.
Molecular consequence: missense variant.
Genome position (GRCh38, 1-based): chr3:81,642,914, C>G on the plus strand (G>C on the coding strand, the complement: GBE1 is on the minus strand). VCF-style: chr3-81642914-C-G. GRCh37 (hg19) VCF-style: chr3-81692065-C-G.
Other names: short protein forms V287L.
Identifiers: ClinVar variation 346792 (VCV000346792.41), dbSNP rs116899644, ClinGen allele CA2499844.
Genomic context (GRCh38, chr3:81,642,914, plus strand): 5'-CTGTCCCATCAAACATATTCAATCCATCTGCTGAATTTTTTGAAGCATGGCTGTGTACCA[C>G]ATCTAAGAGGACTATGATACCCATGGAATGAGCTGTGTCTACCAGTTCTTGTAGCTCTTC-3'
Protein context (NP_000149.4, residues 277-297): HSMGIIVLLD[Val287Leu]VHSHASKNSA